The following is an entry in ClinVar:

NM_001174089.2(SLC4A11):c.337G>A (p.Asp113Asn)

Gene: SLC4A11 (solute carrier family 4 member 11; minus strand). Cytogenetic location: 20p13.
Variant type: single nucleotide variant.
Coding change: c.337G>A on transcript NM_001174089.2 (MANE Select); coding-DNA position 337, G replaced by A.
Protein change: p.Asp113Asn; replaces aspartic acid 113 with asparagine.
Molecular consequence: missense variant. On other transcripts: non-coding transcript variant (3).
Genome position (GRCh38, 1-based): chr20:3,234,269, C>T on the plus strand (G>A on the coding strand, the complement: SLC4A11 is on the minus strand). VCF-style: chr20-3234269-C-T. GRCh37 (hg19) VCF-style: chr20-3214915-C-T.
Other names: c.466G>A, p.Asp156Asn (NM_001174090.2, NM_001400280.1); c.337G>A, p.Asp113Asn (NM_001363745.2); c.280G>A, p.Asp94Asn (NM_001400277.1, NM_001400278.1, NM_001400279.1); c.385G>A, p.Asp129Asn (NM_032034.4); short protein forms D113N, D129N, D156N, D94N.
Identifiers: ClinVar variation 2581409 (VCV002581409.1), dbSNP rs2514602305, ClinGen allele CA408094178.
Genomic context (GRCh38, chr20:3,234,269, plus strand): 5'-CCAGGGAGGTGGCCGTCTCGTTCAGGACGATGCTGGCCTGCGCCAGGAAGCCATCTAGGT[C>T]GCGGTGCGCACGGATCTCTTCCTTGAAGTTCTTTAACTTCAGGTACTGAGGGGACCCCAG-3'
Protein context (NP_001167560.1, residues 103-123): NFKEEIRAHR[Asp113Asn]LDGFLAQASI

ClinVar aggregate classification (germline): Uncertain significance (1 of 4 stars; one submission).

Allele frequency attached by ClinVar (database versions not stated): gnomAD exomes below 0.00001.
gnomAD v4.1: 5 of 1,614,012 alleles (0.00031%); highest among the groups gnomAD compares: Non-Finnish European, 0.00042%; no homozygotes.

Submission:

Women's Health and Genetics/Laboratory Corporation of America, LabCorp
Classification: Uncertain significance. Last evaluated: 2023-08-28. Review status: criteria provided, single submitter. Criteria: LabCorp Variant Classification Summary - May 2015. Collection method: clinical testing. Allele origin: germline.
Comment: Variant summary: SLC4A11 c.385G>A (p.Asp129Asn) results in a conservative amino acid change to a highly conserved residue (HGMD) in the encoded protein sequence. Four of five in-silico tools predict a damaging effect of the variant on protein function. The variant was absent in 251174 control chromosomes (gnomAD). c.385G>A has been reported in the literature in individuals affected with Congenital Hereditary Endothelial Dystrophy (Chaurasia_2020), as well as two heterozygous individuals with inherited retinal disease without a second variant specified (Li_2021). These data indicate that the variant may be associated with disease. To our knowledge, no experimental evidence demonstrating an impact on protein function has been reported. The following publications have been ascertained in the context of this evaluation (PMID: 31714402, 33816482). No submitters have cited clinical-significance assessments for this variant to ClinVar after 2014. Based on the evidence outlined above, the variant was classified as VUS-possibly pathogenic.

Literature cited by the submitters: PubMed 31714402; PubMed 33816482.